The following is an entry in ClinVar:

ClinVar aggregate classification (germline): Uncertain significance (1 of 4 stars; one submission).

Conditions:
Inborn genetic diseases. Identifiers: MedGen C0950123, MeSH D030342.

Submission:

Ambry Genetics
Classification: Uncertain significance for Inborn genetic diseases. Last evaluated: 2026-05-30. Review status: criteria provided, single submitter. Criteria: Ambry Variant Classification Scheme 2023. Collection method: clinical testing. Allele origin: germline.
Comment: The p.M333T variant (also known as c.998T>C), located in coding exon 11 of the ASXL1 gene, results from a T to C substitution at nucleotide position 998. The methionine at codon 333 is replaced by threonine, an amino acid with similar properties. This amino acid position is conserved. In addition, the in silico prediction for this alteration is inconclusive. Based on the available evidence, the clinical significance of this variant remains unclear.

NM_015338.6(ASXL1):c.998T>C (p.Met333Thr)

Gene: ASXL1 (ASXL transcriptional regulator 1; plus strand). Cytogenetic location: 20q11.21.
Variant type: single nucleotide variant.
Coding change: c.998T>C on transcript NM_015338.6 (MANE Select); coding-DNA position 998, T replaced by C.
Protein change: p.Met333Thr; replaces methionine 333 with threonine.
Molecular consequence: missense variant.
Genome position (GRCh38, 1-based): chr20:32,432,898, T>C. VCF-style: chr20-32432898-T-C. GRCh37 (hg19) VCF-style: chr20-31020701-T-C.
Other names: c.815T>C, p.Met272Thr (NM_001363734.1); short protein forms M272T, M333T.
Identifiers: ClinVar variation 4864861 (VCV004864861.1).